The following is an entry in ClinVar:

NM_000327.4(ROM1):c.419C>G (p.Ala140Gly)

Gene: ROM1 (retinal outer segment membrane protein 1; plus strand). Cytogenetic location: 11q12.3.
Variant type: single nucleotide variant.
Coding change: c.419C>G on transcript NM_000327.4 (MANE Select); coding-DNA position 419, C replaced by G.
Protein change: p.Ala140Gly; replaces alanine 140 with glycine.
Molecular consequence: missense variant.
Genome position (GRCh38, 1-based): chr11:62,613,700, C>G. VCF-style: chr11-62613700-C-G. GRCh37 (hg19) VCF-style: chr11-62381172-C-G.
Other names: short protein forms A140G.
Identifiers: ClinVar variation 1716875 (VCV001716875.5), dbSNP rs1369382703, ClinGen allele CA380969714.
Genomic context (GRCh38, chr11:62,613,700, plus strand): 5'-GGCTAGCCCTGGCTTTGCCTGGGAGTCTGGATGAGGCGCTGGAGGAGGGCCTGGTGACTG[C>G]CTTGGCTCACTACAAGGACACAGAGGTGCCTGGGCACTGTCAGGCCAAAAGGCTGGTGGA-3'
Protein context (NP_000318.2, residues 130-150): DEALEEGLVT[Ala140Gly]LAHYKDTEVP

ClinVar aggregate classification (germline): Uncertain significance (1 of 4 stars; one submission).

Submission:

Labcorp Genetics (formerly Invitae), Labcorp
Classification: Uncertain significance. Last evaluated: 2025-04-28. Review status: criteria provided, single submitter. Criteria: Invitae Variant Classification Sherloc (09022015). Collection method: clinical testing. Allele origin: germline.
Comment: This sequence change replaces alanine, which is neutral and non-polar, with glycine, which is neutral and non-polar, at codon 140 of the ROM1 protein (p.Ala140Gly). This variant is not present in population databases (gnomAD no frequency). This variant has not been reported in the literature in individuals affected with ROM1-related conditions. ClinVar contains an entry for this variant (Variation ID: 1716875). Invitae Evidence Modeling of protein sequence and biophysical properties (such as structural, functional, and spatial information, amino acid conservation, physicochemical variation, residue mobility, and thermodynamic stability) indicates that this missense variant is not expected to disrupt ROM1 protein function with a negative predictive value of 80%. In summary, the available evidence is currently insufficient to determine the role of this variant in disease. Therefore, it has been classified as a Variant of Uncertain Significance.